The following is an entry in ClinVar:

NM_015122.3(FCHO1):c.1383del (p.Ser462fs)

Gene: FCHO1 (FCH and mu domain containing endocytic adaptor 1; plus strand). Cytogenetic location: 19p13.11.
Variant type: Deletion.
Coding change: c.1383del on transcript NM_015122.3 (MANE Select); coding-DNA position 1383, one base deleted (C; older notation c.1383delC).
Protein change: p.Ser462fs; shifts the reading frame from serine 462.
Molecular consequence: frameshift variant. On other transcripts: non-coding transcript variant (14), intron variant (15).
Genome position (GRCh38, 1-based): chr19:17,778,640, C deleted; the last of 4 consecutive C bases (chr19:17,778,637-17,778,640); deleting any one gives the same sequence. VCF-style (leftmost placement, unchanged base first): chr19-17778636-GC-G. GRCh37 (hg19) VCF-style: chr19-17889445-GC-G.
Other names: c.1383del, p.Ser462fs (NM_001161357.2, NM_001161358.2, NM_001384370.1 and 13 more transcripts); c.1233del, p.Ser412fs (NM_001161359.2, NM_001384384.1, NM_001384385.1 and 1 more transcripts); c.1344del, p.Ser449fs (NM_001384388.1, NM_001384389.1, NM_001384405.1); c.1308del, p.Ser437fs (NM_001384390.1); c.1351+412del (NM_001384396.1, NM_001384404.1, NM_001384398.1 and 5 more transcripts); c.1201+412del (NM_001384406.1); c.1057+2369del (NM_001384407.1); c.1352-86del (NM_001384393.1, NM_001384394.1, NM_001384392.1 and 1 more transcripts); and 1 more; short protein forms S462fs, S437fs, S412fs, S449fs.
Identifiers: ClinVar variation 1447115 (VCV001447115.6), dbSNP rs2147209050, ClinGen allele CA2573156172.

ClinVar aggregate classification (germline): Pathogenic (1 of 4 stars; one submission).

Submission:

Labcorp Genetics (formerly Invitae), Labcorp
Classification: Pathogenic. Last evaluated: 2021-04-27. Review status: criteria provided, single submitter. Criteria: Invitae Variant Classification Sherloc (09022015). Collection method: clinical testing. Allele origin: germline.
Comment: For these reasons, this variant has been classified as Pathogenic. This variant has not been reported in the literature in individuals with FCHO1-related conditions. This variant is not present in population databases (ExAC no frequency). This sequence change creates a premature translational stop signal (p.Ser462Profs*83) in the FCHO1 gene. It is expected to result in an absent or disrupted protein product. Loss-of-function variants in FCHO1 are known to be pathogenic (PMID: 30822429).

Literature cited by the submitters: PubMed 30822429.